The following is an entry in ClinVar:

NM_001081.4(CUBN):c.2756A>G (p.His919Arg)

Gene: CUBN (cubilin; minus strand). Cytogenetic location: 10p13.
Variant type: single nucleotide variant.
Coding change: c.2756A>G on transcript NM_001081.4 (MANE Select); coding-DNA position 2756, A replaced by G.
Protein change: p.His919Arg; replaces histidine 919 with arginine.
Molecular consequence: missense variant.
Genome position (GRCh38, 1-based): chr10:17,068,640, T>C on the plus strand (A>G on the coding strand, the complement: CUBN is on the minus strand). VCF-style: chr10-17068640-T-C. GRCh37 (hg19) VCF-style: chr10-17110639-T-C.
Other names: short protein forms H919R.
Identifiers: ClinVar variation 439581 (VCV000439581.47), dbSNP rs148869805, ClinGen allele CA5424879.

ClinVar aggregate classification (germline): Conflicting classifications of pathogenicity. Review status: criteria provided, conflicting classifications (1 of 4 stars). 7 submissions from 7 submitters: Uncertain significance (1); Benign (4); Likely benign (2). Last evaluated 2026-01-14.

Conditions:
Imerslund-Grasbeck syndrome type 1 (IGS1). Also called: Imerslund-Gräsbeck syndrome 1; MEGALOBLASTIC ANEMIA, 1; Megaloblastic anemia 1, Finnish type. Identifiers: MedGen C4016819, MONDO:0100156, OMIM 261100.
Imerslund-Grasbeck syndrome. Also called: Imerslund-Gräsbeck syndrome; Megaloblastic anemia due to inborn errors of metabolism; PERNICIOUS ANEMIA, JUVENILE, DUE TO SELECTIVE INTESTINAL MALABSORPTION OF VITAMIN B12, WITH PROTEINURIA; ENTEROCYTE COBALAMIN MALABSORPTION; ENTEROCYTE INTRINSIC FACTOR RECEPTOR, DEFECT OF. Identifiers: Orphanet 35858, MedGen C4551825, MONDO:0009853.

Allele frequency attached by ClinVar (database versions not stated): 1000 Genomes Project 30x 0.00281; 1000 Genomes Project 0.00300; ExAC 0.00390; gnomAD exomes 0.00402 and 0.00685; gnomAD 0.00456 and 0.00464; TOPMed 0.00539; ESP Exome Variant Server 0.00577.
gnomAD v4.1: 10,681 of 1,612,972 alleles (0.66%); highest among the groups gnomAD compares: Non-Finnish European, 0.82%; 48 homozygotes.

Submissions (7):

Labcorp Genetics (formerly Invitae), Labcorp
Classification: Benign for Imerslund-Grasbeck syndrome. Last evaluated: 2026-01-14. Review status: criteria provided, single submitter. Criteria: Invitae Variant Classification Sherloc (09022015). Collection method: clinical testing. Allele origin: germline.

CeGaT Center for Human Genetics Tuebingen
Classification: Likely benign. Last evaluated: 2025-11-01. Review status: criteria provided, single submitter. Criteria: CeGaT Center For Human Genetics Tuebingen Variant Classification Criteria Version 2. Collection method: clinical testing. Allele origin: germline. Affected: yes. Observed: 3 variant alleles.
Comment: CUBN: BP4, BS2

Mayo Clinic Laboratories, Mayo Clinic
Classification: Benign. Last evaluated: 2025-09-23. Review status: criteria provided, single submitter. Criteria: ACMG Guidelines, 2015. Collection method: clinical testing. Allele origin: germline. Observed: 3 variant alleles.
Comment: BS1, BS2, BP4_moderate

Laboratorio de Genetica e Diagnostico Molecular, Hospital Israelita Albert Einstein
Classification: Benign. Last evaluated: 2022-02-03. Review status: criteria provided, single submitter. Criteria: ACMG Guidelines, 2015. Collection method: clinical testing. Allele origin: germline. Affected: yes.
Comment: ACMG classification criteria: BS1, BS2, BP4

ARUP Laboratories, Molecular Genetics and Genomics, ARUP Laboratories
Classification: Uncertain significance. Last evaluated: 2021-02-04. Review status: criteria provided, single submitter. Criteria: ARUP Molecular Germline Variant Investigation Process 2021. Collection method: clinical testing. Allele origin: germline.
Comment: The p.His919Arg (rs148869805) has not been reported in the scientific literature or gene specific variant databases. The p.His919Arg is listed in the Genome Aggregation Database (gnomAD) with allele frequency of 0.6 percent (identified in 844 out of 126,288chromosomes) in non-Finnish European population and with overall allele frequency of 0.4 percent (1111/ 276,594 chromosomes) including four homozygotes. Histidine 919 is moderately conserved considering 10 species and mouse has arginine at this position suggesting that the amino acid change may be evolutionary tolerated. Computational prediction programs do not support an impact on the protein (SIFT: tolerated, PolyPhen-2: benign, and MutationTaster: polymorphism). Thus the p.His919Arg is likely to be a benign variant.

GeneDx
Classification: Benign. Last evaluated: 2020-07-28. Review status: criteria provided, single submitter. Criteria: GeneDx Variant Classification Process June 2021. Collection method: clinical testing. Allele origin: germline. Affected: yes.

Illumina Laboratory Services, Illumina
Classification: Likely benign for Imerslund-Grasbeck syndrome type 1. Last evaluated: 2018-01-13. Review status: criteria provided, single submitter. Criteria: ICSL Variant Classification Criteria 13 December 2019. Collection method: clinical testing. Allele origin: germline.
Comment: This variant was observed in the ICSL laboratory as part of a predisposition screen in an ostensibly healthy population. It had not been previously curated by ICSL or reported in the Human Gene Mutation Database (HGMD: prior to June 1st, 2018), and was therefore a candidate for classification through an automated scoring system. Utilizing variant allele frequency, disease prevalence and penetrance estimates, and inheritance mode, an automated score was calculated to assess if this variant is too frequent to cause the disease. Based on the score and internal cut-off values, a variant classified as likely benign is not then subjected to further curation. The score for this variant resulted in a classification of likely benign for this disease.